The following is an entry in ClinVar:

NM_001304548.2(CFAP47):c.1721G>A (p.Arg574His)

Gene: CFAP47 (cilia and flagella associated protein 47; plus strand). Cytogenetic location: Xp21.1.
Variant type: single nucleotide variant.
Coding change: c.1721G>A on transcript NM_001304548.2 (MANE Select); coding-DNA position 1721, G replaced by A.
Protein change: p.Arg574His; replaces arginine 574 with histidine.
Molecular consequence: missense variant.
Genome position (GRCh38, 1-based): chrX:35,967,739, G>A. VCF-style: chrX-35967739-G-A. GRCh37 (hg19) VCF-style: chrX-35985856-G-A.
Other names: c.1721G>A, p.Arg574His (NM_152632.4); short protein forms R574H.
Identifiers: ClinVar variation 4533838 (VCV004533838.6).

ClinVar aggregate classification (germline): Likely benign (1 of 4 stars; one submission).

gnomAD v4.1: 19 of 1,206,279 alleles (0.0016%); highest among the groups gnomAD compares: Middle Eastern, 0.023%; no homozygotes.

Submission:

CeGaT Center for Human Genetics Tuebingen
Classification: Likely benign. Last evaluated: 2025-10-01. Review status: criteria provided, single submitter. Criteria: CeGaT Center For Human Genetics Tuebingen Variant Classification Criteria Version 2. Collection method: clinical testing. Allele origin: germline. Affected: yes. Observed: 1 variant allele.
Comment: CFAP47: BP4, BS2